The following is an entry in ClinVar:

NM_001025616.3(ARHGAP24):c.1334G>A (p.Gly445Asp)

Gene: ARHGAP24 (Rho GTPase activating protein 24; plus strand). Cytogenetic location: 4q21.23.
Variant type: single nucleotide variant.
Coding change: c.1334G>A on transcript NM_001025616.3 (MANE Select); coding-DNA position 1334, G replaced by A.
Protein change: p.Gly445Asp; replaces glycine 445 with aspartic acid.
Molecular consequence: missense variant.
Genome position (GRCh38, 1-based): chr4:85,994,988, G>A. VCF-style: chr4-85994988-G-A. GRCh37 (hg19) VCF-style: chr4-86916141-G-A.
Other names: c.1049G>A, p.Gly350Asp (NM_001042669.2); c.1079G>A, p.Gly360Asp (NM_001287805.2); c.755G>A, p.Gly252Asp (NM_001346093.2); c.1055G>A, p.Gly352Asp (NM_031305.3); short protein forms G360D, G252D, G445D, G350D, G352D.
Identifiers: ClinVar variation 2174555 (VCV002174555.4), dbSNP rs1280953389, ClinGen allele CA357576146.

ClinVar aggregate classification (germline): Uncertain significance (1 of 4 stars; one submission).

gnomAD v4.1: 5 of 1,614,106 alleles (0.00031%); highest among the groups gnomAD compares: South Asian, 0.0011%; no homozygotes.

Submission:

Labcorp Genetics (formerly Invitae), Labcorp
Classification: Uncertain significance. Last evaluated: 2022-10-19. Review status: criteria provided, single submitter. Criteria: Invitae Variant Classification Sherloc (09022015). Collection method: clinical testing. Allele origin: germline.
Comment: This sequence change replaces glycine, which is neutral and non-polar, with aspartic acid, which is acidic and polar, at codon 445 of the ARHGAP24 protein (p.Gly445Asp). This variant is present in population databases (no rsID available, gnomAD 0.003%). This variant has not been reported in the literature in individuals affected with ARHGAP24-related conditions. Algorithms developed to predict the effect of missense changes on protein structure and function (SIFT, PolyPhen-2, Align-GVGD) all suggest that this variant is likely to be tolerated. In summary, the available evidence is currently insufficient to determine the role of this variant in disease. Therefore, it has been classified as a Variant of Uncertain Significance.